The following is an entry in ClinVar:

ClinVar aggregate classification (germline): Uncertain significance (1 of 4 stars; one submission).

Submission:

Labcorp Genetics (formerly Invitae), Labcorp
Classification: Uncertain significance. Last evaluated: 2025-10-08. Review status: criteria provided, single submitter. Criteria: Invitae Variant Classification Sherloc (09022015). Collection method: clinical testing. Allele origin: germline.
Comment: This sequence change replaces leucine, which is neutral and non-polar, with proline, which is neutral and non-polar, at codon 725 of the IMPG1 protein (p.Leu725Pro). This variant is not present in population databases (gnomAD no frequency). This variant has not been reported in the literature in individuals affected with IMPG1-related conditions. An algorithm developed to predict the effect of missense changes on protein structure and function (PolyPhen-2) suggests that this variant is likely to be tolerated. In summary, the available evidence is currently insufficient to determine the role of this variant in disease. Therefore, it has been classified as a Variant of Uncertain Significance.

NM_001563.4(IMPG1):c.2174T>C (p.Leu725Pro)

Gene: IMPG1 (interphotoreceptor matrix proteoglycan 1; minus strand). Cytogenetic location: 6q14.1.
Variant type: single nucleotide variant.
Coding change: c.2174T>C on transcript NM_001563.4 (MANE Select); coding-DNA position 2174, T replaced by C.
Protein change: p.Leu725Pro; replaces leucine 725 with proline.
Molecular consequence: missense variant.
Genome position (GRCh38, 1-based): chr6:75,931,022, A>G on the plus strand (T>C on the coding strand, the complement: IMPG1 is on the minus strand). VCF-style: chr6-75931022-A-G. GRCh37 (hg19) VCF-style: chr6-76640739-A-G.
Other names: c.1940T>C, p.Leu647Pro (NM_001282368.2); short protein forms L647P, L725P.
Identifiers: ClinVar variation 4772758 (VCV004772758.1).
Genomic context (GRCh38, chr6:75,931,022, plus strand): 5'-GCTCCCTTTCCCTGGAGGACCTCGCATTCCTTTGTGCCAGGGCCACAGAGGCCTGGTTCC[A>G]GACCGTCCAGGCTCCCCTGGCTGTCATATCCTGGTTTGCAGCGACACTCCGCTTCCTCAG-3'
Protein context (NP_001554.2, residues 715-735): GYDSQGSLDG[Leu725Pro]EPGLCGPGTK